The following is an entry in ClinVar:

NM_023036.6(DNAI2):c.754G>A (p.Val252Met)

Gene: DNAI2 (dynein axonemal intermediate chain 2; plus strand). Cytogenetic location: 17q25.1.
Variant type: single nucleotide variant.
Coding change: c.754G>A on transcript NM_023036.6 (MANE Select); coding-DNA position 754, G replaced by A.
Protein change: p.Val252Met; replaces valine 252 with methionine.
Molecular consequence: missense variant. On other transcripts: non-coding transcript variant (1).
Genome position (GRCh38, 1-based): chr17:74,299,747, G>A. VCF-style: chr17-74299747-G-A. GRCh37 (hg19) VCF-style: chr17-72295886-G-A.
Other names: c.754G>A, p.Val252Met (NM_001172810.3, NM_001353167.2); short protein forms V252M.
Identifiers: ClinVar variation 261656 (VCV000261656.28), dbSNP rs140326154, ClinGen allele CA8745484.

ClinVar aggregate classification (germline): Conflicting classifications of pathogenicity. Review status: criteria provided, conflicting classifications (1 of 4 stars). 8 submissions from 8 submitters: Uncertain significance (3); Benign (4). 1 of the submissions does not count toward it. Last evaluated 2026-02-01.

Conditions:
Primary ciliary dyskinesia. Also called: Ciliary dyskinesia. Identifiers: Orphanet 244, MedGen C0008780, MONDO:0016575, HP:0012265.
Primary ciliary dyskinesia 9. Also called: CILIARY DYSKINESIA, PRIMARY, 9, WITH OR WITHOUT SITUS INVERSUS. Identifiers: Orphanet 244, MedGen C2676235, MONDO:0012906, OMIM 612444.

Allele frequency attached by ClinVar (database versions not stated): gnomAD exomes 0.00008 and 0.00022; ExAC 0.00031; gnomAD 0.00083 and 0.00087; 1000 Genomes Project 0.00120; ESP Exome Variant Server 0.00131; TOPMed 0.00133; 1000 Genomes Project 30x 0.00141.

Submissions (8):

Labcorp Genetics (formerly Invitae), Labcorp
Classification: Benign for Primary ciliary dyskinesia. Last evaluated: 2026-02-01. Review status: criteria provided, single submitter. Criteria: Invitae Variant Classification Sherloc (09022015). Collection method: clinical testing. Allele origin: germline.

Revvity Omics, Revvity
Classification: Uncertain significance for Primary ciliary dyskinesia 9. Last evaluated: 2020-08-18. Review status: criteria provided, single submitter. Criteria: ACMG Guidelines, 2015. Collection method: clinical testing. Allele origin: germline.

Ambry Genetics
Classification: Benign for Primary ciliary dyskinesia. Last evaluated: 2018-11-09. Review status: criteria provided, single submitter. Criteria: Ambry Variant Classification Scheme 2023. Collection method: clinical testing. Allele origin: germline.

Illumina Laboratory Services, Illumina
Classification: Uncertain significance for Primary ciliary dyskinesia 9. Last evaluated: 2018-01-13. Review status: criteria provided, single submitter. Criteria: ICSL Variant Classification Criteria 13 December 2019. Collection method: clinical testing. Allele origin: germline.

Eurofins Ntd Llc (ga)
Classification: Uncertain significance. Last evaluated: 2015-07-09. Review status: criteria provided, single submitter. Criteria: EGL Classification Definitions 2015. Collection method: clinical testing. Allele origin: germline. Observed: 1 variant allele, 1 heterozygote.

Laboratory for Molecular Medicine, Mass General Brigham Personalized Medicine
Classification: Benign. Last evaluated: 2013-02-21. Review status: criteria provided, single submitter. Criteria: LMM Criteria. Collection method: clinical testing. Allele origin: germline. Observed: 1 variant allele.
Comment: Val252Met in exon 7 of DNAI2: This variant is not expected to have clinical sign ificance because it has been identified in 23.2% (45/194) of Luhya (Kenyan) chro mosomes from a broad population by the 1000 Genomes Project (.; dbSNP rs140326154).

PreventionGenetics, part of Exact Sciences
Classification: Benign. Review status: criteria provided, single submitter. Criteria: ACMG Guidelines, 2015. Collection method: clinical testing. Allele origin: germline.

Natera, Inc.
Classification: Uncertain significance for Primary ciliary dyskinesia. Last evaluated: 2020-01-17. Review status: no assertion criteria provided. Collection method: clinical testing. Allele origin: germline. Not counted in ClinVar's aggregate classification.